The following is an entry in ClinVar:

ClinVar aggregate classification (germline): Conflicting classifications of pathogenicity. Review status: criteria provided, conflicting classifications (1 of 4 stars). 4 submissions from 4 submitters: Uncertain significance (2); Likely benign (2). Last evaluated 2025-09-19.

Conditions:
Inborn genetic diseases. Identifiers: MedGen C0950123, MeSH D030342.

Allele frequency attached by ClinVar (database versions not stated): 1000 Genomes Project 30x 0.00016; ESP Exome Variant Server 0.00023; gnomAD exomes 0.00021; gnomAD 0.00024; TOPMed 0.00025; ExAC 0.00026; 1000 Genomes Project 0.00020.
gnomAD v4.1: 347 of 1,614,178 alleles (0.021%); highest among the groups gnomAD compares: Middle Eastern, 0.016%; no homozygotes.

Submissions (4):

Mayo Clinic Laboratories, Mayo Clinic
Classification: Uncertain significance. Last evaluated: 2025-09-19. Review status: criteria provided, single submitter. Criteria: ACMG Guidelines, 2015. Collection method: clinical testing. Allele origin: germline. Observed: 2 variant alleles.
Comment: BP4_moderate

Revvity Omics, Revvity
Classification: Likely benign. Last evaluated: 2024-07-30. Review status: criteria provided, single submitter. Criteria: ACMG Guidelines, 2015. Collection method: clinical testing. Allele origin: germline.

ARUP Laboratories, Molecular Genetics and Genomics, ARUP Laboratories
Classification: Likely benign. Last evaluated: 2023-10-24. Review status: criteria provided, single submitter. Criteria: ARUP Molecular Germline Variant Investigation Process 2024. Collection method: clinical testing. Allele origin: germline.

Ambry Genetics
Classification: Uncertain significance for Inborn genetic diseases. Last evaluated: 2021-08-12. Review status: criteria provided, single submitter. Criteria: Ambry Variant Classification Scheme 2023. Collection method: clinical testing. Allele origin: germline.

NM_001355436.2(SPTB):c.2696C>T (p.Thr899Ile)

Gene: SPTB (spectrin beta, erythrocytic; minus strand). Cytogenetic location: 14q23.3.
Variant type: single nucleotide variant.
Coding change: c.2696C>T on transcript NM_001355436.2 (MANE Select); coding-DNA position 2696, C replaced by T.
Protein change: p.Thr899Ile; replaces threonine 899 with isoleucine.
Molecular consequence: missense variant.
Genome position (GRCh38, 1-based): chr14:64,791,827, G>A on the plus strand (C>T on the coding strand, the complement: SPTB is on the minus strand). VCF-style: chr14-64791827-G-A. GRCh37 (hg19) VCF-style: chr14-65258545-G-A.
Other names: NM_000347.5:c.2696C>T; p.Thr899Ile; c.2696C>T, p.Thr899Ile (NM_001024858.4, NM_001355437.2); c.2696C>T (NM_001355436.1); short protein forms T899I.
Identifiers: ClinVar variation 2346872 (VCV002346872.8), dbSNP rs373593599, ClinGen allele CA7230795.